The following is an entry in ClinVar:

NM_005157.6(ABL1):c.2782C>T (p.Leu928=)

Gene: ABL1 (ABL proto-oncogene 1, non-receptor tyrosine kinase; plus strand). Cytogenetic location: 9q34.12.
Variant type: single nucleotide variant.
Coding change: c.2782C>T on transcript NM_005157.6 (MANE Select); coding-DNA position 2782, C replaced by T.
Protein change: p.Leu928=; no amino-acid change (leucine 928 retained).
Molecular consequence: synonymous variant.
Genome position (GRCh38, 1-based): chr9:130,885,072, C>T. VCF-style: chr9-130885072-C-T. GRCh37 (hg19) VCF-style: chr9-133760459-C-T.
Other names: c.2839C>T, p.Leu947= (NM_007313.3).
Identifiers: ClinVar variation 713279 (VCV000713279.36), dbSNP rs1064162, ClinGen allele CA5285771.
Genomic context (GRCh38, chr9:130,885,072, plus strand): 5'-GGGAAGGCTGGAGGAAAGCCCTCGCAGAGCCCGAGCCAGGAGGCGGCCGGGGAGGCAGTC[C>T]TGGGCGCAAAGACAAAAGCCACGAGTCTGGTTGATGCTGTGAACAGTGACGCTGCCAAGC-3'
Protein context (NP_005148.2, residues 918-938): PSQEAAGEAV[Leu928=]GAKTKATSLV

ClinVar aggregate classification (germline): Benign/Likely benign. Review status: criteria provided, multiple submitters, no conflicts (2 of 4 stars). 5 submissions from 5 submitters: Benign (2); Likely benign (3). Last evaluated 2026-04-01.

Allele frequency attached by ClinVar (database versions not stated): ESP Exome Variant Server 0.00062; TOPMed 0.00083; gnomAD 0.00084 and 0.00087; gnomAD exomes 0.00088 and 0.00093; ExAC 0.00094; 1000 Genomes Project 0.00020; 1000 Genomes Project 30x 0.00062.
gnomAD v4.1: 1,486 of 1,610,022 alleles (0.092%); highest among the groups gnomAD compares: Admixed American, 0.13%; 2 homozygotes.

Submissions (5):

CeGaT Center for Human Genetics Tuebingen
Classification: Likely benign. Last evaluated: 2026-04-01. Review status: criteria provided, single submitter. Criteria: CeGaT Center For Human Genetics Tuebingen Variant Classification Criteria Version 2. Collection method: clinical testing. Allele origin: germline. Affected: yes. Observed: 6 variant alleles.
Comment: ABL1: BP4, BP7, BS1

Labcorp Genetics (formerly Invitae), Labcorp
Classification: Benign. Last evaluated: 2025-12-28. Review status: criteria provided, single submitter. Criteria: Invitae Variant Classification Sherloc (09022015). Collection method: clinical testing. Allele origin: germline.

Laboratory of Genetics, Children's Clinical University Hospital Latvia
Classification: Likely benign. Last evaluated: 2025-02-16. Review status: criteria provided, single submitter. Criteria: ACMG Guidelines, 2015. Collection method: clinical testing. Allele origin: germline. Affected: yes.

Blueprint Genetics
Classification: Likely benign. Last evaluated: 2024-11-21. Review status: criteria provided, single submitter. Criteria: ACMG Guidelines, 2015. Collection method: clinical testing. Allele origin: germline.

Breakthrough Genomics
Classification: Benign. Review status: criteria provided, single submitter. Criteria: ACMG Guidelines, 2015. Collection method: not provided. Allele origin: germline. Inheritance: Autosomal dominant inheritance. Affected: yes.